The following is an entry in ClinVar:

NM_203446.3(SYNJ1):c.406G>A (p.Gly136Ser)

Gene: SYNJ1 (synaptojanin 1; minus strand). Cytogenetic location: 21q22.11.
Variant type: single nucleotide variant.
Coding change: c.406G>A on transcript NM_203446.3 (MANE Select); coding-DNA position 406, G replaced by A.
Protein change: p.Gly136Ser; replaces glycine 136 with serine.
Molecular consequence: missense variant.
Genome position (GRCh38, 1-based): chr21:32,699,911, C>T on the plus strand (G>A on the coding strand, the complement: SYNJ1 is on the minus strand). VCF-style: chr21-32699911-C-T. GRCh37 (hg19) VCF-style: chr21-34072221-C-T.
Other names: c.406G>A, p.Gly136Ser (NM_001160302.2, NM_001160306.2); c.523G>A, p.Gly175Ser (NM_003895.4); short protein forms G136S, G175S.
Identifiers: ClinVar variation 1392668 (VCV001392668.8), dbSNP rs2146212752, ClinGen allele CA410101334.
Genomic context (GRCh38, chr21:32,699,911, plus strand): 5'-TATCAGTTGTCTGTTCTTGCATGCTACGATGCGCATTAAGACTCAAATCTAAACTGATGC[C>T]AGATGCAGACCATGCAAAATAAAAGTTTCCTGAATTCAAAACTTTCCGCACTTCTGAAAT-3'
Protein context (NP_982271.3, residues 126-146): GNFYFAWSAS[Gly136Ser]ISLDLSLNAH

ClinVar aggregate classification (germline): Uncertain significance (1 of 4 stars; one submission).

Conditions:
Developmental and epileptic encephalopathy, 53. Also called: Epileptic encephalopathy, early infantile, 53. Identifiers: MedGen C4479313, MONDO:0033362, OMIM 617389.
Early-onset Parkinson disease 20. Also called: PARKINSON DISEASE 20, AUTOSOMAL RECESSIVE EARLY-ONSET. Identifiers: Orphanet 391411, MedGen C3809824, MONDO:0014233, OMIM 615530.

Submission:

Labcorp Genetics (formerly Invitae), Labcorp
Classification: Uncertain significance for Developmental and epileptic encephalopathy, 53; Early-onset Parkinson disease 20. Last evaluated: 2022-07-12. Review status: criteria provided, single submitter. Criteria: Invitae Variant Classification Sherloc (09022015). Collection method: clinical testing. Allele origin: germline.
Comment: In summary, the available evidence is currently insufficient to determine the role of this variant in disease. Therefore, it has been classified as a Variant of Uncertain Significance. Algorithms developed to predict the effect of sequence changes on RNA splicing suggest that this variant may create or strengthen a splice site. Algorithms developed to predict the effect of missense changes on protein structure and function are either unavailable or do not agree on the potential impact of this missense change (SIFT: "Tolerated"; PolyPhen-2: "Probably Damaging"; Align-GVGD: "Class C0"). ClinVar contains an entry for this variant (Variation ID: 1392668). This variant has not been reported in the literature in individuals affected with SYNJ1-related conditions. This variant is not present in population databases (gnomAD no frequency). This sequence change replaces glycine, which is neutral and non-polar, with serine, which is neutral and polar, at codon 175 of the SYNJ1 protein (p.Gly175Ser).